The following is an entry in ClinVar:

NM_001845.6(COL4A1):c.4216C>A (p.Gln1406Lys)

Gene: COL4A1 (collagen type IV alpha 1 chain; minus strand). Cytogenetic location: 13q34.
Variant type: single nucleotide variant.
Coding change: c.4216C>A on transcript NM_001845.6 (MANE Select); coding-DNA position 4216, C replaced by A.
Protein change: p.Gln1406Lys; replaces glutamine 1406 with lysine.
Molecular consequence: missense variant.
Genome position (GRCh38, 1-based): chr13:110,163,496, G>T on the plus strand (C>A on the coding strand, the complement: COL4A1 is on the minus strand). VCF-style: chr13-110163496-G-T. GRCh37 (hg19) VCF-style: chr13-110815843-G-T.
Other names: short protein forms Q1406K.
Identifiers: ClinVar variation 2576866 (VCV002576866.1), dbSNP rs2501741516, ClinGen allele CA388659276.

ClinVar aggregate classification (germline): Uncertain significance (1 of 4 stars; one submission).

Submission:

GeneDx
Classification: Uncertain significance. Last evaluated: 2023-02-16. Review status: criteria provided, single submitter. Criteria: GeneDx Variant Classification Process June 2021. Collection method: clinical testing. Allele origin: germline. Affected: yes.
Comment: Has not been previously published as pathogenic or benign to our knowledge; Not observed at significant frequency in large population cohorts (gnomAD); In silico analysis supports that this missense variant does not alter protein structure/function; Occurs in the triple helical domain at the X position in the canonical Gly-X-Y repeat; although this variant may have an effect on normal protein folding and function, missense substitution at the X position is not a common mechanism of disease